The following is an entry in ClinVar:

ClinVar aggregate classification (germline): Uncertain significance. Review status: criteria provided, multiple submitters, no conflicts (2 of 4 stars). 2 submissions from 2 submitters: Uncertain significance (2). Last evaluated 2025-07-14.

Conditions:
Cardiovascular phenotype. Identifiers: MedGen CN230736.
DiGeorge syndrome. Also called: Catch22; THIRD AND FOURTH PHARYNGEAL POUCH SYNDROME. Identifiers: Orphanet 567, MedGen C0012236, MONDO:0008564, OMIM 188400.

Allele frequency attached by ClinVar (database versions not stated): TOPMed below 0.00001; gnomAD 0.00001; gnomAD exomes 0.00001.
gnomAD v4.1: 8 of 1,581,390 alleles (0.00051%); highest among the groups gnomAD compares: African/African-American, 0.0014%; no homozygotes.

Submissions (2):

Labcorp Genetics (formerly Invitae), Labcorp
Classification: Uncertain significance for DiGeorge syndrome. Last evaluated: 2025-07-14. Review status: criteria provided, single submitter. Criteria: Invitae Variant Classification Sherloc (09022015). Collection method: clinical testing. Allele origin: germline.
Comment: This sequence change replaces tyrosine, which is neutral and polar, with cysteine, which is neutral and slightly polar, at codon 492 of the TBX1 protein (p.Tyr492Cys). This variant is not present in population databases (gnomAD no frequency). This variant has not been reported in the literature in individuals affected with TBX1-related conditions. ClinVar contains an entry for this variant (Variation ID: 1773449). An algorithm developed to predict the effect of missense changes on protein structure and function (PolyPhen-2) suggests that this variant is likely to be disruptive. In summary, the available evidence is currently insufficient to determine the role of this variant in disease. Therefore, it has been classified as a Variant of Uncertain Significance.

Ambry Genetics
Classification: Uncertain significance for Cardiovascular phenotype. Last evaluated: 2021-06-22. Review status: criteria provided, single submitter. Criteria: Ambry Variant Classification Scheme 2023. Collection method: clinical testing. Allele origin: germline.
Comment: The p.Y492C variant (also known as c.1475A>G), located in coding exon 8 of the TBX1 gene, results from an A to G substitution at nucleotide position 1475. The tyrosine at codon 492 is replaced by cysteine, an amino acid with highly dissimilar properties. This amino acid position is conserved. In addition, the in silico prediction for this alteration is inconclusive. Since supporting evidence is limited at this time, the clinical significance of this alteration remains unclear.

NM_001379200.1(TBX1):c.1502A>G (p.Tyr501Cys)

Gene: TBX1 (T-box transcription factor 1; plus strand). Cytogenetic location: 22q11.21.
Variant type: single nucleotide variant.
Coding change: c.1502A>G on transcript NM_001379200.1 (MANE Select); coding-DNA position 1502, A replaced by G.
Protein change: p.Tyr501Cys; replaces tyrosine 501 with cysteine.
Molecular consequence: missense variant. On other transcripts: intron variant (2).
Genome position (GRCh38, 1-based): chr22:19,766,854, A>G. VCF-style: chr22-19766854-A-G. GRCh37 (hg19) VCF-style: chr22-19754377-A-G.
Other names: c.1475A>G, p.Tyr492Cys (NM_080647.1); c.1009+852A>G (NM_005992.1, NM_080646.2); short protein forms Y501C, Y492C.
Identifiers: ClinVar variation 1773449 (VCV001773449.7), dbSNP rs1936877224, ClinGen allele CA410685795.